The following is an entry in ClinVar:

Single allele

Genes: GOLGA6L6 (golgin A6 family like 6 (gene/pseudogene); minus strand), OR4M2 (olfactory receptor family 4 subfamily M member 2; plus strand), OR4N4 (olfactory receptor family 4 subfamily N member 4; plus strand), POTEB (POTE ankyrin domain family member B), POTEB2 (POTE ankyrin domain family member B2; minus strand). Cytogenetic location: 15q11.1-11.2.
Variant type: Duplication.
Identifiers: ClinVar variation 157327 (VCV000157327.2).

ClinVar aggregate classification (germline): not provided (0 of 4 stars; one submission).

Conditions:
Large for gestational age. Identifiers: MedGen C1848395, HP:0001520.

Submission:

Institute of Molecular and Cell Biology, University of Tartu
No classification provided. Condition: Large for gestational age. Review status: no classification provided. Collection method: case-control. Allele origin: unknown. Affected: yes. Study: Kasak2014.
Comment: The study aimed to determine the contribution of copy number variants in the genetic etiology of normal and complicated pregnancies. The samples represented (i) maternal blood DNA drawn from healthy pregnant women during 1st or 2nd trimester and (ii) maternal and paternal blood DNA drawn at term pregnancy cases representing normal and complicated gestations (severe preeclampsia, PE; gestational diabetes, GD; small-for-gestational age newborn, SGA; large-for-gestational age newborn, LGA). We performed CNV calling based on genome-wide genotyping dataset (Illumina HumanOmniExpress-24-v1 BeadChip) by applying three algorithms, QuantiSNP, GADA (Genome Alteration Detection Algorithm) and CNstream in parallel. The acquired CNV calls were merged with HD-CNV (Hotspot Detector for Copy Number Variants) program and only the CNVs predicted by at least two programs, were considered in subsequent analysis.

Literature cited by the submitters: PubMed 25666259.